The following is an entry in ClinVar:

ClinVar aggregate classification (germline): Uncertain significance (1 of 4 stars; one submission).

Conditions:
Baller-Gerold syndrome (BGS). Also called: CRANIOSYNOSTOSIS WITH RADIAL DEFECTS. Identifiers: Orphanet 1225, MedGen C0265308, MONDO:0009039, OMIM 218600.

Submission:

Labcorp Genetics (formerly Invitae), Labcorp
Classification: Uncertain significance for Baller-Gerold syndrome. Last evaluated: 2021-06-02. Review status: criteria provided, single submitter. Criteria: Invitae Variant Classification Sherloc (09022015). Collection method: clinical testing. Allele origin: germline.
Comment: This sequence change replaces glycine with alanine at codon 806 of the RECQL4 protein (p.Gly806Ala). The glycine residue is highly conserved and there is a small physicochemical difference between glycine and alanine. This variant is not present in population databases (ExAC no frequency). This variant has not been reported in the literature in individuals with RECQL4-related conditions. Experimental studies and prediction algorithms are not available or were not evaluated, and the functional significance of this variant is currently unknown. In summary, the available evidence is currently insufficient to determine the role of this variant in disease. Therefore, it has been classified as a Variant of Uncertain Significance.

NM_004260.4(RECQL4):c.2417G>C (p.Gly806Ala)

Gene: RECQL4 (RecQ like helicase 4; minus strand). Cytogenetic location: 8q24.3.
Variant type: single nucleotide variant.
Coding change: c.2417G>C on transcript NM_004260.4 (MANE Select); coding-DNA position 2417, G replaced by C.
Protein change: p.Gly806Ala; replaces glycine 806 with alanine.
Molecular consequence: missense variant.
Genome position (GRCh38, 1-based): chr8:144,513,264, C>G on the plus strand (G>C on the coding strand, the complement: RECQL4 is on the minus strand). VCF-style: chr8-144513264-C-G. GRCh37 (hg19) VCF-style: chr8-145738647-C-G.
Other names: short protein forms G806A.
Identifiers: ClinVar variation 1435476 (VCV001435476.6), dbSNP rs762456224, ClinGen allele CA372678126.